The following is an entry in ClinVar:

NM_006514.4(SCN10A):c.1819G>A (p.Ala607Thr)

Gene: SCN10A (sodium voltage-gated channel alpha subunit 10; minus strand). Cytogenetic location: 3p22.2.
Variant type: single nucleotide variant.
Coding change: c.1819G>A on transcript NM_006514.4 (MANE Select); coding-DNA position 1819, G replaced by A.
Protein change: p.Ala607Thr; replaces alanine 607 with threonine.
Molecular consequence: missense variant.
Genome position (GRCh38, 1-based): chr3:38,750,121, C>T on the plus strand (G>A on the coding strand, the complement: SCN10A is on the minus strand). VCF-style: chr3-38750121-C-T. GRCh37 (hg19) VCF-style: chr3-38791612-C-T.
Other names: c.1819G>A, p.Ala607Thr (NM_001293306.2); c.1525G>A, p.Ala509Thr (NM_001293307.2); short protein forms A607T, A509T.
Identifiers: ClinVar variation 571160 (VCV000571160.8), dbSNP rs139355449, ClinGen allele CA2320740.

ClinVar aggregate classification (germline): Uncertain significance. Review status: criteria provided, multiple submitters, no conflicts (2 of 4 stars). 3 submissions from 3 submitters: Uncertain significance (3). Last evaluated 2025-08-04.

Conditions:
Cardiovascular phenotype. Identifiers: MedGen CN230736.
Brugada syndrome. Also called: Sudden unexplained nocturnal death syndrome; Sudden Unexplained Death Syndrome; Sudden Unexplained Nocturnal Death Syndrome (SUNDS); Sudden unexpected nocturnal death syndrome. Identifiers: Orphanet 130, MedGen C1142166, MONDO:0015263.

Allele frequency attached by ClinVar (database versions not stated): ExAC 0.00001.

Submissions (3):

Labcorp Genetics (formerly Invitae), Labcorp
Classification: Uncertain significance for Brugada syndrome. Last evaluated: 2025-08-04. Review status: criteria provided, single submitter. Criteria: Invitae Variant Classification Sherloc (09022015). Collection method: clinical testing. Allele origin: germline.
Comment: This sequence change replaces alanine, which is neutral and non-polar, with threonine, which is neutral and polar, at codon 607 of the SCN10A protein (p.Ala607Thr). This variant is present in population databases (rs139355449, gnomAD 0.009%). This variant has not been reported in the literature in individuals affected with SCN10A-related conditions. ClinVar contains an entry for this variant (Variation ID: 571160). An algorithm developed to predict the effect of missense changes on protein structure and function outputs the following: PolyPhen-2: "Benign". The threonine amino acid residue is found in multiple mammalian species, which suggests that this missense change does not adversely affect protein function. In summary, the available evidence is currently insufficient to determine the role of this variant in disease. Therefore, it has been classified as a Variant of Uncertain Significance.

GeneDx
Classification: Uncertain significance. Last evaluated: 2023-05-18. Review status: criteria provided, single submitter. Criteria: GeneDx Variant Classification Process June 2021. Collection method: clinical testing. Allele origin: germline. Affected: yes.
Comment: Has not been previously published as pathogenic or benign to our knowledge; Not observed at significant frequency in large population cohorts (gnomAD); In silico analysis supports that this missense variant does not alter protein structure/function

Ambry Genetics
Classification: Uncertain significance for Cardiovascular phenotype. Last evaluated: 2022-01-02. Review status: criteria provided, single submitter. Criteria: Ambry Variant Classification Scheme 2023. Collection method: clinical testing. Allele origin: germline.
Comment: The p.A607T variant (also known as c.1819G>A), located in coding exon 12 of the SCN10A gene, results from a G to A substitution at nucleotide position 1819. The alanine at codon 607 is replaced by threonine, an amino acid with similar properties. This amino acid position is conserved. In addition, this alteration is predicted to be tolerated by in silico analysis. Since supporting evidence is limited at this time, the clinical significance of this alteration remains unclear.